The following is an entry in ClinVar:

NM_016169.4(SUFU):c.911-2A>C

Gene: SUFU (SUFU negative regulator of hedgehog signaling; plus strand). Cytogenetic location: 10q24.32.
Variant type: single nucleotide variant.
Coding change: c.911-2A>C on transcript NM_016169.4 (MANE Select); the canonical splice acceptor site of the intron before coding-DNA position 911, A replaced by C.
Molecular consequence: splice acceptor variant.
Genome position (GRCh38, 1-based): chr10:102,599,431, A>C. VCF-style: chr10-102599431-A-C. GRCh37 (hg19) VCF-style: chr10-104359188-A-C.
Other names: c.911-2A>C (NM_016169.3, NM_001178133.2).
Identifiers: ClinVar variation 2944763 (VCV002944763.4), dbSNP rs2545100258, ClinGen allele CA377910982.

ClinVar aggregate classification (germline): Conflicting classifications of pathogenicity. Review status: criteria provided, conflicting classifications (1 of 4 stars). 2 submissions from 2 submitters: Likely pathogenic (1); Uncertain significance (1). Last evaluated 2026-01-21.

Conditions:
Hereditary cancer-predisposing syndrome. Also called: Neoplastic Syndromes, Hereditary; Tumor predisposition; Hereditary Cancer Syndrome; Hereditary neoplastic syndrome. Identifiers: Orphanet 140162, MedGen C0027672, MeSH D009386, MONDO:0015356.
Gorlin syndrome. Also called: Nevoid Basal Cell Carcinoma Syndrome; Basal cell nevus syndrome. Identifiers: Orphanet 377, MedGen C0004779, MONDO:0007187.
Medulloblastoma (MDB). Also called: MEDULLOBLASTOMA PREDISPOSITION SYNDROME; Medulloblastoma, somatic. Identifiers: Orphanet 616, MedGen C0025149, MeSH D008527, MONDO:0007959, OMIM 155255, HP:0002885.

Submissions (2):

Labcorp Genetics (formerly Invitae), Labcorp
Classification: Likely pathogenic for Gorlin syndrome; Medulloblastoma. Last evaluated: 2026-01-21. Review status: criteria provided, single submitter. Criteria: Invitae Variant Classification Sherloc (09022015). Collection method: clinical testing. Allele origin: germline.
Comment: This sequence change affects an acceptor splice site in intron 7 of the SUFU gene. It is expected to disrupt RNA splicing. Variants that disrupt the donor or acceptor splice site typically lead to a loss of protein function (PMID: 16199547), and loss-of-function variants in SUFU are known to be pathogenic (PMID: 22508808, 25403219, 33024317). This variant is not present in population databases (gnomAD no frequency). This variant has not been reported in the literature in individuals affected with SUFU-related conditions. ClinVar contains an entry for this variant (Variation ID: 2944763). Algorithms developed to predict the effect of sequence changes on RNA splicing suggest that this variant may disrupt the consensus splice site. In summary, the currently available evidence indicates that the variant is pathogenic, but additional data are needed to prove that conclusively. Therefore, this variant has been classified as Likely Pathogenic.

Ambry Genetics
Classification: Uncertain significance for Hereditary cancer-predisposing syndrome. Last evaluated: 2024-09-13. Review status: criteria provided, single submitter. Criteria: Ambry Variant Classification Scheme 2023. Collection method: clinical testing. Allele origin: germline.
Comment: The c.911-2A>C intronic variant results from an A to C substitution two nucleotides before coding exon 8 of the SUFU gene. Alterations that disrupt the canonical splice site are expected to result in aberrant splicing. The resulting transcript is predicted to be in-frame and is not expected to trigger nonsense-mediated mRNA decay; however, direct evidence is unavailable. The exact functional effect of the altered amino acid sequence is unknown. This variant was not reported in population-based cohorts in the Genome Aggregation Database (gnomAD). This nucleotide position is highly conserved in available vertebrate species. In silico splice site analysis predicts that this alteration will weaken the native splice acceptor site and may result in the creation or strengthening of a novel splice acceptor site. Based on insufficient or conflicting evidence, the clinical significance of this alteration remains unclear.

Literature cited by the submitters: PubMed 16199547 (cited by Labcorp Genetics (formerly Invitae), Labcorp); PubMed 22508808 (cited by Labcorp Genetics (formerly Invitae), Labcorp); PubMed 25403219 (cited by Labcorp Genetics (formerly Invitae), Labcorp); PubMed 33024317 (cited by Labcorp Genetics (formerly Invitae), Labcorp).